The following is an entry in ClinVar:

NM_001029883.3(PCARE):c.2692G>A (p.Ala898Thr)

Gene: PCARE (photoreceptor cilium actin regulator; minus strand). Cytogenetic location: 2p23.2.
Variant type: single nucleotide variant.
Coding change: c.2692G>A on transcript NM_001029883.3 (MANE Select); coding-DNA position 2692, G replaced by A.
Protein change: p.Ala898Thr; replaces alanine 898 with threonine.
Molecular consequence: missense variant.
Genome position (GRCh38, 1-based): chr2:29,071,570, C>T on the plus strand (G>A on the coding strand, the complement: PCARE is on the minus strand). VCF-style: chr2-29071570-C-T. GRCh37 (hg19) VCF-style: chr2-29294436-C-T.
Other names: short protein forms A898T.
Identifiers: ClinVar variation 1370271 (VCV001370271.8), dbSNP rs759929694, ClinGen allele CA1592142.

ClinVar aggregate classification (germline): Uncertain significance (1 of 4 stars; one submission).

Allele frequency attached by ClinVar (database versions not stated): gnomAD exomes 0.00001 and 0.00002; ExAC 0.00002; gnomAD 0.00003 and 0.00004; TOPMed 0.00004.

Submission:

Labcorp Genetics (formerly Invitae), Labcorp
Classification: Uncertain significance. Last evaluated: 2022-10-13. Review status: criteria provided, single submitter. Criteria: Invitae Variant Classification Sherloc (09022015). Collection method: clinical testing. Allele origin: germline.
Comment: This variant has not been reported in the literature in individuals affected with PCARE-related conditions. This sequence change replaces alanine, which is neutral and non-polar, with threonine, which is neutral and polar, at codon 898 of the PCARE protein (p.Ala898Thr). This variant is present in population databases (rs759929694, gnomAD 0.004%). ClinVar contains an entry for this variant (Variation ID: 1370271). Algorithms developed to predict the effect of missense changes on protein structure and function output the following: SIFT: "Tolerated"; PolyPhen-2: "Benign"; Align-GVGD: "Class C0". The threonine amino acid residue is found in multiple mammalian species, which suggests that this missense change does not adversely affect protein function. In summary, the available evidence is currently insufficient to determine the role of this variant in disease. Therefore, it has been classified as a Variant of Uncertain Significance.